The following is an entry in ClinVar:

NM_001904.4(CTNNB1):c.1350dup (p.Val451fs)

Genes: CTNNB1 (catenin beta 1; plus strand), LOC126806659 (BRD4-independent group 4 enhancer GRCh37_chr3:41274918-41276117; plus strand). Cytogenetic location: 3p22.1.
Variant type: Duplication.
Coding change: c.1350dup on transcript NM_001904.4 (MANE Select); coding-DNA position 1350, one base duplicated (T; older notation c.1350dupT).
Protein change: p.Val451fs; shifts the reading frame from valine 451.
Molecular consequence: frameshift variant.
Genome position (GRCh38, 1-based): chr3:41,233,693, T duplicated. VCF-style (leftmost placement, unchanged base first): chr3-41233692-C-CT. GRCh37 (hg19) VCF-style: chr3-41275183-C-CT.
Other names: c.1350dup, p.Val451fs (NM_001098209.2, NM_001098210.2); c.1329dup, p.Val444fs (NM_001330729.2); short protein forms V444fs, V451fs.
Identifiers: ClinVar variation 1699116 (VCV001699116.3), dbSNP rs2125639718, ClinGen allele CA2573130292.

ClinVar aggregate classification (germline): Pathogenic (1 of 4 stars; one submission).

Conditions:
Severe intellectual disability-progressive spastic diplegia syndrome (NEDSDV). Also called: NEURODEVELOPMENTAL DISORDER WITH SPASTIC DIPLEGIA AND VISUAL DEFECTS; CTNNB1 Neurodevelopmental Disorder. Identifiers: Orphanet 404473, MedGen C3554449, MONDO:0014035, OMIM 615075.

Submission:

Victorian Clinical Genetics Services, Murdoch Childrens Research Institute
Classification: Pathogenic for Severe intellectual disability-progressive spastic diplegia syndrome. Last evaluated: 2022-06-24. Review status: criteria provided, single submitter. Criteria: ACMG Guidelines, 2015. Collection method: clinical testing. Allele origin: germline. Inheritance: Autosomal dominant inheritance.
Comment: Based on the classification scheme VCGS_Germline_v1.3.4, this variant is classified as Pathogenic. Following criteria are met: 0102 - Loss of function is a known mechanism of disease in this gene and is associated with neurodevelopmental disorder with spastic diplegia and visual defects (MIM#615075), and exudative vitreoretinopathy 7 (MIM#617572). However, somatic variants with a gain of function mechanism have been reported to cause cancer (OMIM). (I) 0107 - This gene is associated with autosomal dominant disease. (I) 0201 - Variant is predicted to cause nonsense-mediated decay (NMD) and loss of protein (premature termination codon is located at least 54 nucleotides upstream of the final exon-exon junction). (SP) 0251 - This variant is heterozygous. (I) 0301 - Variant is absent from gnomAD (both v2 and v3). (SP) 0701 - Other NMD-predicted variants comparable to the one identified in this case have very strong previous evidence for pathogenicity. These variants have been reported many times as pathogenic (PMID: 35099645, DECIPHER). (SP) 0807 - This variant has no previous evidence of pathogenicity. (I) 0905 - No published segregation evidence has been identified for this variant. (I) 1007 - No published functional evidence has been identified for this variant. (SP) Legend: (SP) - Supporting pathogenic, (I) - Information, (SB) - Supporting benign

Literature cited by the submitters: PubMed 35099645.